The following is an entry in ClinVar:

ClinVar aggregate classification (germline): Uncertain significance (1 of 4 stars; one submission).

Submission:

Labcorp Genetics (formerly Invitae), Labcorp
Classification: Uncertain significance. Last evaluated: 2022-09-06. Review status: criteria provided, single submitter. Criteria: Invitae Variant Classification Sherloc (09022015). Collection method: clinical testing. Allele origin: germline.
Comment: This sequence change replaces leucine, which is neutral and non-polar, with arginine, which is basic and polar, at codon 343 of the COX15 protein (p.Leu343Arg). This variant is not present in population databases (gnomAD no frequency). This variant has not been reported in the literature in individuals affected with COX15-related conditions. ClinVar contains an entry for this variant (Variation ID: 1520818). Algorithms developed to predict the effect of missense changes on protein structure and function are either unavailable or do not agree on the potential impact of this missense change (SIFT: "Not Available"; PolyPhen-2: "Benign"; Align-GVGD: "Not Available"). In summary, the available evidence is currently insufficient to determine the role of this variant in disease. Therefore, it has been classified as a Variant of Uncertain Significance.

NM_078470.6(COX15):c.1028T>G (p.Leu343Arg)

Gene: COX15 (cytochrome c oxidase assembly homolog COX15; minus strand). Cytogenetic location: 10q24.2.
Variant type: single nucleotide variant.
Coding change: c.1028T>G on transcript NM_078470.6 (MANE Select); coding-DNA position 1028, T replaced by G.
Protein change: p.Leu343Arg; replaces leucine 343 with arginine.
Molecular consequence: missense variant. On other transcripts: synonymous variant (2), non-coding transcript variant (1).
Genome position (GRCh38, 1-based): chr10:99,716,421, A>C on the plus strand (T>G on the coding strand, the complement: COX15 is on the minus strand). VCF-style: chr10-99716421-A-C. GRCh37 (hg19) VCF-style: chr10-101476178-A-C.
Other names: c.1028T>G, p.Leu343Arg (NM_001320974.2, NM_001372024.1, NM_001372027.1 and 1 more transcripts); c.873T>G, p.Pro291= (NM_001320975.2, NM_001372028.1); c.491T>G, p.Leu164Arg (NM_001320976.2); c.1046T>G, p.Leu349Arg (NM_001372025.1); c.1001T>G, p.Leu334Arg (NM_001372026.1); short protein forms L334R, L343R, L349R, L164R.
Identifiers: ClinVar variation 1520818 (VCV001520818.3), dbSNP rs2133576339, ClinGen allele CA378101615.